The following is an entry in ClinVar:

ClinVar aggregate classification (germline): Pathogenic (1 of 4 stars; one submission).

Submission:

Labcorp Genetics (formerly Invitae), Labcorp
Classification: Pathogenic. Last evaluated: 2022-09-02. Review status: criteria provided, single submitter. Criteria: Invitae Variant Classification Sherloc (09022015). Collection method: clinical testing. Allele origin: germline.
Comment: For these reasons, this variant has been classified as Pathogenic. This variant has not been reported in the literature in individuals affected with C2CD3-related conditions. This variant is not present in population databases (gnomAD no frequency). This sequence change creates a premature translational stop signal (p.Glu634*) in the C2CD3 gene. It is expected to result in an absent or disrupted protein product. Loss-of-function variants in C2CD3 are known to be pathogenic (PMID: 24997988, 26477546).

Literature cited by the submitters: PubMed 24997988; PubMed 26477546.

NM_001286577.2(C2CD3):c.1898_1899dup (p.Glu634Ter)

Gene: C2CD3 (C2 domain containing 3 centriole elongation regulator; minus strand). Cytogenetic location: 11q13.4.
Variant type: Duplication.
Coding change: c.1898_1899dup on transcript NM_001286577.2 (MANE Select); coding-DNA positions 1898 to 1899, 2 bases duplicated (TA; older notation c.1898_1899dupTA).
Protein change: p.Glu634Ter; replaces glutamic acid 634 with a stop codon.
Molecular consequence: nonsense.
Genome position (GRCh38, 1-based): chr11:74,109,097-74,109,098, TA duplicated on the plus strand (TA on the coding strand, the reverse complement: C2CD3 is on the minus strand); duplicating any 2 consecutive bases within chr11:74,109,097-74,109,099 gives the same sequence; the c. name uses the placement nearest the transcript's 3' end. VCF-style (leftmost placement, unchanged base first): chr11-74109096-C-CTA. GRCh37 (hg19) VCF-style: chr11-73820141-C-CTA.
Other names: c.1898_1899dup, p.Glu634Ter (NM_015531.6); short protein forms E634*.
Identifiers: ClinVar variation 2028571 (VCV002028571.4), dbSNP rs2496471186, ClinGen allele CA2580084885.